The following is an entry in ClinVar:

NM_001243177.4(ALDOA):c.1197G>A (p.Pro399=)

Genes: ALDOA (aldolase, fructose-bisphosphate A; plus strand), LOC112694756 (uncharaterized LOC112694756; plus strand). Cytogenetic location: 16p11.2.
Variant type: single nucleotide variant.
Coding change: c.1197G>A on transcript NM_001243177.4 (MANE Select); coding-DNA position 1197, G replaced by A.
Protein change: p.Pro399=; no amino-acid change (proline 399 retained).
Molecular consequence: synonymous variant. On other transcripts: 3 prime UTR variant (3).
Genome position (GRCh38, 1-based): chr16:30,070,152, G>A. VCF-style: chr16-30070152-G-A. GRCh37 (hg19) VCF-style: chr16-30081473-G-A.
Other names: NM_000034.3:c.1035G>A; c.*1544G>A (NM_001365304.2, NM_001365305.2, NM_001365307.2); c.1035G>A, p.Pro345= (NM_001127617.2, NM_184041.5, NM_184043.2).
Identifiers: ClinVar variation 4984232 (VCV004984232.1).

ClinVar aggregate classification (germline): Likely benign (1 of 4 stars; one submission).

Conditions:
ALDOA-related disorder. Also called: ALDOA-related condition.

gnomAD v4.1: 11 of 1,613,962 alleles (0.00068%); highest among the groups gnomAD compares: African/African-American, 0.0053%; no homozygotes.

Submission:

PreventionGenetics, part of Exact Sciences
Classification: Likely benign for ALDOA-related condition. Last evaluated: 2026-04-28. Review status: criteria provided, single submitter. Criteria: ACMG Guidelines, 2015. Collection method: clinical testing. Allele origin: germline.
Comment: This variant is classified as likely benign based on ACMG/AMP sequence variant interpretation guidelines (Richards et al. 2015 PMID: 25741868, with internal and published modifications).